The following is an entry in ClinVar:

ClinVar aggregate classification (germline): Uncertain significance (1 of 4 stars; one submission).

Submission:

Women's Health and Genetics/Laboratory Corporation of America, LabCorp
Classification: Uncertain significance. Last evaluated: 2026-05-18. Review status: criteria provided, single submitter. Criteria: LabCorp Variant Classification Summary - May 2015. Collection method: clinical testing. Allele origin: germline.
Comment: Variant summary: The variant involves the duplication of exons 2-66 in the COL12A1 gene. A presumed nomenclature of c.(-36+1_-35-1)_(*2222_?)dup has been designated for the purposes of this classification. This duplication includes the entire coding sequence of the gene. As exact breakpoints are unknown, it may extend beyond the annotated region of the gene, to include other flanking genes. The variant was absent in 21694 control chromosomes. The available data on variant occurrences in the general population are insufficient to allow any conclusion about variant significance. To our knowledge, no occurrence of c.(-36+1_-35-1)_(*2222_?)dup in individuals affected with COL12A1-related conditions and no experimental evidence demonstrating its impact on protein function have been reported. ClinVar contains an entry for this variant (Variation ID: 831653). Based on the evidence outlined above, the variant was classified as uncertain significance.

NC_000006.11:g.(?_75794041)_(75912544_75915492)dup

Gene: COL12A1 (collagen type XII alpha 1 chain; minus strand). Cytogenetic location: 6q13-14.1.
Variant type: Duplication.
Identifiers: ClinVar variation 4853032 (VCV004853032.1).